The following is an entry in ClinVar:

NM_000051.4(ATM):c.8315G>T (p.Gly2772Val)

Genes: ATM (ATM serine/threonine kinase; plus strand), C11orf65 (chromosome 11 open reading frame 65; minus strand). Cytogenetic location: 11q22.3.
Variant type: single nucleotide variant.
Coding change: c.8315G>T on transcript NM_000051.4 (MANE Select); coding-DNA position 8315, G replaced by T.
Protein change: p.Gly2772Val; replaces glycine 2772 with valine.
Molecular consequence: missense variant. On other transcripts: intron variant (2).
Genome position (GRCh38, 1-based): chr11:108,343,268, G>T. VCF-style: chr11-108343268-G-T. GRCh37 (hg19) VCF-style: chr11-108213995-G-T.
Other names: c.8315G>T, p.Gly2772Val (NM_001351834.2); c.641-34197C>A (NM_001330368.2); c.695-7976C>A (NM_001351110.2); short protein forms G2772V.
Identifiers: ClinVar variation 3640508 (VCV003640508.2).

ClinVar aggregate classification (germline): Uncertain significance (1 of 4 stars; one submission).

Conditions:
Ataxia-telangiectasia syndrome (AT). Also called: Ataxia-telangiectasia, complementation group D; AT, COMPLEMENTATION GROUP C; ATAXIA-TELANGIECTASIA, COMPLEMENTATION GROUP A; ATAXIA-TELANGIECTASIA, FRESNO VARIANT; Ataxia-telangiectasia; Ataxia-telangiectasia, complementation group E. Identifiers: Orphanet 100, MedGen C0004135, MONDO:0008840, OMIM 208900.

Submission:

Labcorp Genetics (formerly Invitae), Labcorp
Classification: Uncertain significance for Ataxia-telangiectasia syndrome. Last evaluated: 2024-06-15. Review status: criteria provided, single submitter. Criteria: Invitae Variant Classification Sherloc (09022015). Collection method: clinical testing. Allele origin: germline.
Comment: This sequence change replaces glycine, which is neutral and non-polar, with valine, which is neutral and non-polar, at codon 2772 of the ATM protein (p.Gly2772Val). This variant is not present in population databases (gnomAD no frequency). This variant has not been reported in the literature in individuals affected with ATM-related conditions. An algorithm developed to predict the effect of missense changes on protein structure and function (PolyPhen-2) suggests that this variant is likely to be disruptive. In summary, the available evidence is currently insufficient to determine the role of this variant in disease. Therefore, it has been classified as a Variant of Uncertain Significance.